The following is an entry in ClinVar:

ClinVar aggregate classification (germline): Uncertain significance (1 of 4 stars; one submission).

Allele frequency attached by ClinVar (database versions not stated): gnomAD 0.00001.
gnomAD v4.1: 2 of 1,613,826 alleles (0.00012%); highest among the groups gnomAD compares: Non-Finnish European, 0.00017%; no homozygotes.

Submission:

Labcorp Genetics (formerly Invitae), Labcorp
Classification: Uncertain significance. Last evaluated: 2022-03-17. Review status: criteria provided, single submitter. Criteria: Invitae Variant Classification Sherloc (09022015). Collection method: clinical testing. Allele origin: germline.
Comment: In summary, the available evidence is currently insufficient to determine the role of this variant in disease. Therefore, it has been classified as a Variant of Uncertain Significance. Algorithms developed to predict the effect of missense changes on protein structure and function (SIFT, PolyPhen-2, Align-GVGD) all suggest that this variant is likely to be tolerated. This variant has not been reported in the literature in individuals affected with DIP2C-related conditions. This variant is not present in population databases (gnomAD no frequency). This sequence change replaces asparagine, which is neutral and polar, with isoleucine, which is neutral and non-polar, at codon 492 of the DIP2C protein (p.Asn492Ile).

NM_014974.3(DIP2C):c.1475A>T (p.Asn492Ile)

Gene: DIP2C (DIP2 acetate--CoA ligase C (putative); minus strand). Cytogenetic location: 10p15.3.
Variant type: single nucleotide variant.
Coding change: c.1475A>T on transcript NM_014974.3 (MANE Select); coding-DNA position 1475, A replaced by T.
Protein change: p.Asn492Ile; replaces asparagine 492 with isoleucine.
Molecular consequence: missense variant.
Genome position (GRCh38, 1-based): chr10:390,283, T>A on the plus strand (A>T on the coding strand, the complement: DIP2C is on the minus strand). VCF-style: chr10-390283-T-A. GRCh37 (hg19) VCF-style: chr10-436223-T-A.
Other names: short protein forms N492I.
Identifiers: ClinVar variation 1915966 (VCV001915966.5), dbSNP rs1215056306, ClinGen allele CA375829351.